The following is an entry in ClinVar:

NM_014795.4(ZEB2):c.3068G>T (p.Gly1023Val)

Gene: ZEB2 (zinc finger E-box binding homeobox 2; minus strand). Cytogenetic location: 2q22.3.
Variant type: single nucleotide variant.
Coding change: c.3068G>T on transcript NM_014795.4 (MANE Select); coding-DNA position 3068, G replaced by T.
Protein change: p.Gly1023Val; replaces glycine 1023 with valine.
Molecular consequence: missense variant.
Genome position (GRCh38, 1-based): chr2:144,390,028, C>A on the plus strand (G>T on the coding strand, the complement: ZEB2 is on the minus strand). VCF-style: chr2-144390028-C-A. GRCh37 (hg19) VCF-style: chr2-145147595-C-A.
Other names: c.2996G>T, p.Gly999Val (NM_001171653.2); short protein forms G999V, G1023V.
Identifiers: ClinVar variation 2114323 (VCV002114323.4), dbSNP rs2549101983, ClinGen allele CA348701849.
Genomic context (GRCh38, chr2:144,390,028, plus strand): 5'-ATAAGGTGGTGCTTGTGTTTAAACGCTTTCTTACAAATCTGACACTGATGTGGTCTTTTT[C>A]CTGGGAGAAAGAACAAGATGACAGGGTGATTAGTGTCTTTGCATGAAGTCTCTTTCCACT-3'
Protein context (NP_055610.1, residues 1013-1033): SLLRHKYEHT[Gly1023Val]KRPHQCQICK

ClinVar aggregate classification (germline): Uncertain significance (1 of 4 stars; one submission).

Conditions:
Mowat-Wilson syndrome (MOWS). Also called: Classic Mowat-Wilson Syndrome. Identifiers: Orphanet 2152, MedGen C1856113, MONDO:0009341, OMIM 235730.

Submission:

Labcorp Genetics (formerly Invitae), Labcorp
Classification: Uncertain significance for Mowat-Wilson syndrome. Last evaluated: 2022-03-22. Review status: criteria provided, single submitter. Criteria: Invitae Variant Classification Sherloc (09022015). Collection method: clinical testing. Allele origin: germline.
Comment: In summary, the available evidence is currently insufficient to determine the role of this variant in disease. Therefore, it has been classified as a Variant of Uncertain Significance. Algorithms developed to predict the effect of sequence changes on RNA splicing suggest that this variant may disrupt the consensus splice site. Algorithms developed to predict the effect of missense changes on protein structure and function (SIFT, PolyPhen-2, Align-GVGD) all suggest that this variant is likely to be disruptive. This variant has not been reported in the literature in individuals affected with ZEB2-related conditions. This variant is not present in population databases (gnomAD no frequency). This sequence change replaces glycine, which is neutral and non-polar, with valine, which is neutral and non-polar, at codon 1023 of the ZEB2 protein (p.Gly1023Val).